The following is an entry in ClinVar:

NM_000540.3(RYR1):c.2365C>T (p.Arg789Trp)

Gene: RYR1 (ryanodine receptor 1; plus strand). Cytogenetic location: 19q13.2.
Variant type: single nucleotide variant.
Coding change: c.2365C>T on transcript NM_000540.3 (MANE Select); coding-DNA position 2365, C replaced by T.
Protein change: p.Arg789Trp; replaces arginine 789 with tryptophan.
Molecular consequence: missense variant.
Genome position (GRCh38, 1-based): chr19:38,460,379, C>T. VCF-style: chr19-38460379-C-T. GRCh37 (hg19) VCF-style: chr19-38951019-C-T.
Other names: c.2365C>T, p.Arg789Trp (NM_001042723.2); short protein forms R789W.
Identifiers: ClinVar variation 423297 (VCV000423297.14), dbSNP rs765445445, ClinGen allele CA063196.

ClinVar aggregate classification (germline): Uncertain significance. Review status: criteria provided, multiple submitters, no conflicts (2 of 4 stars). 7 submissions from 7 submitters: Uncertain significance (7). Last evaluated 2024-06-11.

Conditions:
RYR1-related disorder. Also called: RYR1-related disorders; RYR1-related condition. Identifiers: MedGen CN239331.
Central core myopathy (CMYO1A). Also called: Central core disease; Myopathy, central fibrillar; CONGENITAL MYOPATHY 1A, AUTOSOMAL DOMINANT, WITH SUSCEPTIBILITY TO MALIGNANT HYPERTHERMIA. Identifiers: Orphanet 597, MedGen C5830701, MONDO:0007294, OMIM 117000.
Congenital myopathy with fiber type disproportion. Also called: Congenital fiber-type disproportion myopathy; Congenital fiber-type disproportion. Identifiers: Orphanet 2020, MedGen C0546264, MONDO:0009711. Inheritance: all.
King Denborough syndrome (KDS). Identifiers: MedGen C1840365, MONDO:0020485, OMIM 619542.
Malignant hyperthermia, susceptibility to, 1 (MHS1). Also called: RYR1-Related Malignant Hyperthermia Susceptibility; Malignant hyperthermia suceptibility 1; Anesthesia related hyperthermia; Malignant hyperpyrexia; Fulminating hyperpyrexia; Pharmacogenic myopathy. Identifiers: Orphanet 423, MedGen C2930980, MONDO:0007783, OMIM 145600.
Congenital multicore myopathy with external ophthalmoplegia (CMYO1B). Also called: MULTIMINICORE DISEASE WITH EXTERNAL OPHTHALMOPLEGIA; Minicore myopathy with external ophthalmoplegia; Congenital myopathy 1B, autosomal recessive; Minicore myopathy; MULTICORE MYOPATHY. Identifiers: Orphanet 598, Orphanet 98905, MedGen C1850674, MONDO:0009712, OMIM 255320, HP:0003789.

Allele frequency attached by ClinVar (database versions not stated): TOPMed 0.00002; gnomAD 0.00003.
gnomAD v4.1: 22 of 1,613,840 alleles (0.0014%); highest among the groups gnomAD compares: Admixed American, 0.005%; no homozygotes.

Submissions (7):

All of Us Research Program, National Institutes of Health
Classification: Uncertain significance for Malignant hyperthermia, susceptibility to, 1. Last evaluated: 2024-06-11. Review status: criteria provided, single submitter. Criteria: ACMG Guidelines, 2015. Collection method: clinical testing. Allele origin: germline. Inheritance: Autosomal dominant inheritance. Observed: 5 variant alleles, 5 heterozygotes.
Comment: This missense variant replaces arginine with tryptophan at codon 789 of the RYR1 protein. Computational prediction suggests that this variant may have deleterious impact on protein structure and function (internally defined REVEL score threshold >= 0.7, PMID: 27666373). To our knowledge, functional studies have not been reported for this variant. This variant has not been reported in individuals affected with RYR1-related disorders in the literature. This variant has been identified in 2/282864 chromosomes in the general population by the Genome Aggregation Database (gnomAD). The available evidence is insufficient to determine the role of this variant in disease conclusively. Therefore, this variant is classified as a Variant of Uncertain Significance.

This study involves interpretation of variants in research participants for the purpose of population health screening. Participant phenotype was not available at the time of variant classification. Additional details can be found in publication PMID: 35346344, PMCID: PMC8962531

Women's Health and Genetics/Laboratory Corporation of America, LabCorp
Classification: Uncertain significance. Last evaluated: 2024-06-10. Review status: criteria provided, single submitter. Criteria: LabCorp Variant Classification Summary - May 2015. Collection method: clinical testing. Allele origin: germline.
Comment: Variant summary: RYR1 c.2365C>T (p.Arg789Trp) results in a non-conservative amino acid change located in the B30.2/SPRY domain (IPR001870) of the encoded protein sequence. Five of five in-silico tools predict a damaging effect of the variant on protein function. The variant allele was found at a frequency of 4e-06 in 251478 control chromosomes. The available data on variant occurrences in the general population are insufficient to allow any conclusion about variant significance. To our knowledge, no occurrence of c.2365C>T in individuals affected with Myopathy, RYR1-Associated and no experimental evidence demonstrating its impact on protein function have been reported. ClinVar contains an entry for this variant (Variation ID: 423297). Based on the evidence outlined above, the variant was classified as uncertain significance.

Labcorp Genetics (formerly Invitae), Labcorp
Classification: Uncertain significance for RYR1-related disorder. Last evaluated: 2022-07-11. Review status: criteria provided, single submitter. Criteria: Invitae Variant Classification Sherloc (09022015). Collection method: clinical testing. Allele origin: germline.
Comment: This sequence change replaces arginine, which is basic and polar, with tryptophan, which is neutral and slightly polar, at codon 789 of the RYR1 protein (p.Arg789Trp). This variant is present in population databases (rs765445445, gnomAD 0.006%). This missense change has been observed in individual(s) with clinical features of RYR1-related conditions (Invitae). ClinVar contains an entry for this variant (Variation ID: 423297). Advanced modeling of protein sequence and biophysical properties (such as structural, functional, and spatial information, amino acid conservation, physicochemical variation, residue mobility, and thermodynamic stability) performed at Invitae indicates that this missense variant is expected to disrupt RYR1 protein function. This variant disrupts the p.Arg789 amino acid residue in RYR1. Other variant(s) that disrupt this residue have been observed in individuals with RYR1-related conditions (PMID: 22473935), which suggests that this may be a clinically significant amino acid residue. In summary, the available evidence is currently insufficient to determine the role of this variant in disease. Therefore, it has been classified as a Variant of Uncertain Significance.

Revvity Omics, Revvity
Classification: Uncertain significance. Last evaluated: 2022-01-27. Review status: criteria provided, single submitter. Criteria: ACMG Guidelines, 2015. Collection method: clinical testing. Allele origin: germline.

Fulgent Genetics
Classification: Uncertain significance for Central core myopathy; Malignant hyperthermia, susceptibility to, 1; Congenital myopathy 4A, autosomal dominant; Congenital multicore myopathy with external ophthalmoplegia; King Denborough syndrome. Last evaluated: 2021-09-15. Review status: criteria provided, single submitter. Criteria: ACMG Guidelines, 2015. Collection method: clinical testing. Allele origin: unknown.

GeneDx
Classification: Uncertain significance. Last evaluated: 2017-02-02. Review status: criteria provided, single submitter. Criteria: GeneDx Variant Classification (06012015). Collection method: clinical testing. Allele origin: germline. Affected: yes.
Comment: The R789W variant has not been published as a pathogenic variant, nor has it been reported as a benign variant to our knowledge. The R789W variant is not observed at a significant frequency in large population cohorts (Lek et al., 2016; 1000 Genomes Consortium et al., 2015; Exome Variant Server). This variant is a non-conservative amino acid substitution, which is likely to impact secondary protein structure as these residues differ in polarity, charge, size and/or other properties. This substitution occurs at a position that is conserved across species, and a different missense variant (R789L) at the same position has been previously reported in an individual with myopathy who harbored an additional variant on the opposite RYR1 allele (Klein et al., 2012). In silico analysis predicts the R789W variant is probably damaging to the protein structure/function.

PreventionGenetics, part of Exact Sciences
Classification: Uncertain significance. Last evaluated: 2015-06-24. Review status: criteria provided, single submitter. Criteria: ACMG Guidelines, 2015. Collection method: clinical testing. Allele origin: germline.

Literature cited by the submitters: PubMed 22473935 (cited by Labcorp Genetics (formerly Invitae), Labcorp).